The following is an entry in ClinVar:

NM_006767.4(LZTR1):c.1298A>C (p.Tyr433Ser)

Gene: LZTR1 (leucine zipper like post translational regulator 1; plus strand). Cytogenetic location: 22q11.21.
Variant type: single nucleotide variant.
Coding change: c.1298A>C on transcript NM_006767.4 (MANE Select); coding-DNA position 1298, A replaced by C.
Protein change: p.Tyr433Ser; replaces tyrosine 433 with serine.
Molecular consequence: missense variant.
Genome position (GRCh38, 1-based): chr22:20,993,699, A>C. VCF-style: chr22-20993699-A-C. GRCh37 (hg19) VCF-style: chr22-21347988-A-C.
Other names: short protein forms Y433S.
Identifiers: ClinVar variation 3238054 (VCV003238054.1), dbSNP rs2518619963.

ClinVar aggregate classification (germline): Uncertain significance (1 of 4 stars; one submission).

Conditions:
Hereditary cancer-predisposing syndrome. Also called: Neoplastic Syndromes, Hereditary; Tumor predisposition; Hereditary neoplastic syndrome; Hereditary Cancer Syndrome. Identifiers: Orphanet 140162, MedGen C0027672, MeSH D009386, MONDO:0015356.
Cardiovascular phenotype. Identifiers: MedGen CN230736.

Submission:

Ambry Genetics
Classification: Uncertain significance for Cardiovascular phenotype; Hereditary cancer-predisposing syndrome. Last evaluated: 2023-04-19. Review status: criteria provided, single submitter. Criteria: Ambry Variant Classification Scheme 2023. Collection method: clinical testing. Allele origin: germline.
Comment: The p.Y433S variant (also known as c.1298A>C), located in coding exon 12 of the LZTR1 gene, results from an A to C substitution at nucleotide position 1298. The tyrosine at codon 433 is replaced by serine, an amino acid with dissimilar properties. This amino acid position is conserved. In addition, this alteration is predicted to be deleterious by in silico analysis. Since supporting evidence is limited at this time, the clinical significance of this alteration remains unclear.